The following is an entry in ClinVar:

ClinVar aggregate classification (germline): Uncertain significance (1 of 4 stars; one submission).

Conditions:
Acute myeloid leukemia (AML). Also called: Acute myeloid leukemia, adult; AML adult; Acute non-lymphocytic leukemia; Acute granulocytic leukemia; Leukemia, acute myeloid, somatic; Leukemia, acute myelogenous, somatic. Identifiers: Orphanet 519, MedGen C0023467, MeSH D015470, MONDO:0018874, OMIM 601626, HP:0004808. Disease mechanism: Constitutively activated FLT3.

Allele frequency attached by ClinVar (database versions not stated): gnomAD exomes below 0.00001.
gnomAD v4.1: 3 of 1,398,532 alleles (0.00021%); highest among the groups gnomAD compares: Non-Finnish European, 0.00028%; no homozygotes.

Submission:

Labcorp Genetics (formerly Invitae), Labcorp
Classification: Uncertain significance for Acute myeloid leukemia. Last evaluated: 2023-10-13. Review status: criteria provided, single submitter. Criteria: Invitae Variant Classification Sherloc (09022015). Collection method: clinical testing. Allele origin: germline.
Comment: This sequence change affects codon 32 of the CEBPA mRNA. It is a 'silent' change, meaning that it does not change the encoded amino acid sequence of the CEBPA protein. This variant is not present in population databases (gnomAD no frequency). This variant has not been reported in the literature in individuals affected with CEBPA-related conditions. Experimental studies and prediction algorithms are not available or were not evaluated, and the effect of this variant on mRNA splicing is currently unknown. In summary, the available evidence is currently insufficient to determine the role of this variant in disease. Therefore, it has been classified as a Variant of Uncertain Significance.

NM_004364.5(CEBPA):c.96C>A (p.Gly32=)

Gene: CEBPA (CCAAT enhancer binding protein alpha; minus strand). Cytogenetic location: 19q13.11.
Variant type: single nucleotide variant.
Coding change: c.96C>A on transcript NM_004364.5 (MANE Select); coding-DNA position 96, C replaced by A.
Protein change: p.Gly32=; no amino-acid change (glycine 32 retained).
Molecular consequence: synonymous variant. On other transcripts: 5 prime UTR variant (1).
Genome position (GRCh38, 1-based): chr19:33,302,319, G>T on the plus strand (C>A on the coding strand, the complement: CEBPA is on the minus strand). VCF-style: chr19-33302319-G-T. GRCh37 (hg19) VCF-style: chr19-33793225-G-T.
Other names: c.-262C>A (NM_001285829.2); c.201C>A, p.Gly67= (NM_001287424.2); c.54C>A, p.Gly18= (NM_001287435.2).
Identifiers: ClinVar variation 2804918 (VCV002804918.3), dbSNP rs2513333245, ClinGen allele CA507007743.